The following is an entry in ClinVar:

NM_130839.5(UBE3A):c.1936C>A (p.Arg646Ser)

Genes: SNHG14 (small nucleolar RNA host gene 14; plus strand), UBE3A (ubiquitin protein ligase E3A; minus strand). Cytogenetic location: 15q11.2.
Variant type: single nucleotide variant.
Coding change: c.1936C>A on transcript NM_130839.5 (MANE Select); coding-DNA position 1936, C replaced by A.
Protein change: p.Arg646Ser; replaces arginine 646 with serine.
Molecular consequence: missense variant. On other transcripts: non-coding transcript variant (1).
Genome position (GRCh38, 1-based): chr15:25,356,714, G>T on the plus strand (C>A on the coding strand, the complement: UBE3A is on the minus strand). VCF-style: chr15-25356714-G-T. GRCh37 (hg19) VCF-style: chr15-25601861-G-T.
Other names: c.1945C>A, p.Arg649Ser (NM_000462.5); c.1936C>A, p.Arg646Ser (NM_001354505.1, NM_001354538.2, NM_001354545.2); c.1876C>A, p.Arg626Ser (NM_001354506.2, NM_001354507.2, NM_001354508.2 and 17 more transcripts); c.1759C>A, p.Arg587Ser (NM_001354546.2); c.685C>A, p.Arg229Ser (NM_001354550.2); c.625C>A, p.Arg209Ser (NM_001354551.2); c.1876C>A (NM_130838.1); short protein forms R209S, R229S, R587S, R626S, R646S, R649S.
Identifiers: ClinVar variation 1020143 (VCV001020143.8), dbSNP rs746286431, ClinGen allele CA7435470.
Genomic context (GRCh38, chr15:25,356,714, plus strand): 5'-CTAAGAGACTGAATTAAAAAAATGACAAAGAACTTACTGGGTGAGAGTCTCCCAAGTCAC[G>T]AAAAGTTCCTTTTTTCCCCATTAGCTTCCTGTAGACAACCATGGGAAAATGTACATCCAG-3'
Protein context (NP_570854.1, residues 636-656): RKLMGKKGTF[Arg646Ser]DLGDSHPVLY

ClinVar aggregate classification (germline): Uncertain significance. Review status: criteria provided, multiple submitters, no conflicts (2 of 4 stars). 2 submissions from 2 submitters: Uncertain significance (2). Last evaluated 2024-08-20.

Conditions:
Inborn genetic diseases. Identifiers: MedGen C0950123, MeSH D030342.
Angelman syndrome (AS). Also called: HAPPY PUPPET SYNDROME. Identifiers: Orphanet 72, MedGen C0162635, MONDO:0007113, OMIM 105830. Disease mechanism: loss of function. Inheritance: AS is caused by disruption of maternally imprinted UBE3A located within the 15q11.2-q13 Angelman syndrome/Prader-Willi syndrome (AS/PWS) region., imprinting disorder.

Allele frequency attached by ClinVar (database versions not stated): ExAC 0.00001; gnomAD exomes 0.00001.
gnomAD v4.1: 7 of 1,613,154 alleles (0.00043%); highest among the groups gnomAD compares: South Asian, 0.0077%; no homozygotes.

Submissions (2):

Ambry Genetics
Classification: Uncertain significance for Inborn genetic diseases. Last evaluated: 2024-08-20. Review status: criteria provided, single submitter. Criteria: Ambry Variant Classification Scheme 2023. Collection method: clinical testing. Allele origin: germline.

Labcorp Genetics (formerly Invitae), Labcorp
Classification: Uncertain significance for Angelman syndrome. Last evaluated: 2020-07-13. Review status: criteria provided, single submitter. Criteria: Invitae Variant Classification Sherloc (09022015). Collection method: clinical testing. Allele origin: germline.
Comment: In summary, the available evidence is currently insufficient to determine the role of this variant in disease. Therefore, it has been classified as a Variant of Uncertain Significance. Algorithms developed to predict the effect of missense changes on protein structure and function are either unavailable or do not agree on the potential impact of this missense change (SIFT: "Not Available"; PolyPhen-2: "Benign"; Align-GVGD: "Not Available"). This variant has not been reported in the literature in individuals with UBE3A-related conditions. This variant is present in population databases (rs746286431, ExAC 0.006%). This sequence change replaces arginine with serine at codon 626 of the UBE3A protein (p.Arg626Ser). The arginine residue is moderately conserved and there is a moderate physicochemical difference between arginine and serine.